The following is an entry in ClinVar:

ClinVar aggregate classification (germline): Benign (0 of 4 stars; one submission).

Conditions:
MUC16-related disorder. Also called: MUC16-related condition.

Allele frequency attached by ClinVar (database versions not stated): 1000 Genomes Project 0.02017; gnomAD 0.02512; ESP Exome Variant Server 0.02529; ExAC 0.02943; gnomAD exomes 0.03533; 1000 Genomes Project 30x 0.02046; TOPMed 0.02473.

Submission:

PreventionGenetics, part of Exact Sciences
Classification: Benign for MUC16-related condition. Last evaluated: 2019-10-30. Review status: no assertion criteria provided. Collection method: clinical testing. Allele origin: germline.
Comment: This variant is classified as benign based on ACMG/AMP sequence variant interpretation guidelines (Richards et al. 2015 PMID: 25741868, with internal and published modifications).

NM_001401501.2(MUC16):c.35930C>T (p.Thr11977Ile)

Gene: MUC16 (mucin 16, cell surface associated; minus strand). Cytogenetic location: 19p13.2.
Variant type: single nucleotide variant.
Coding change: c.35930C>T on transcript NM_001401501.2 (MANE Select); coding-DNA position 35930, C replaced by T.
Protein change: p.Thr11977Ile; replaces threonine 11977 with isoleucine.
Molecular consequence: missense variant.
Genome position (GRCh38, 1-based): chr19:8,935,145, G>A on the plus strand (C>T on the coding strand, the complement: MUC16 is on the minus strand). VCF-style: chr19-8935145-G-A. GRCh37 (hg19) VCF-style: chr19-9045821-G-A.
Other names: c.36356C>T, p.Thr12119Ile (NM_001414686.1); c.35810C>T, p.Thr11937Ile (NM_001414687.1, NM_024690.2); short protein forms T11937I, T11977I, T12119I.
Identifiers: ClinVar variation 3056617 (VCV003056617.2), dbSNP rs61744216, ClinGen allele CA9165960.
Genomic context (GRCh38, chr19:8,935,145, plus strand): 5'-CTGGTTTTAGGTGGTGTTGGCATCTCTGATGGTATCAAGGTCATAGTGGTGCCTGTGACA[G>A]TCCTGGAAAATTCTGGGGGTCCAACTGAAGTTACAGATGGTGAGGTTTCTGTGTTCCAGG-3'
Protein context (NP_001388430.1, residues 11967-11987): TSVGPPEFSR[Thr11977Ile]VTGTTMTLIP